The following is an entry in ClinVar:

ClinVar aggregate classification (germline): Uncertain significance (1 of 4 stars; one submission).

gnomAD v4.1: 2 of 1,612,940 alleles (0.00012%); highest among the groups gnomAD compares: Admixed American, 0.0033%; no homozygotes.

Submission:

Ambry Genetics
Classification: Uncertain significance. Last evaluated: 2025-10-26. Review status: criteria provided, single submitter. Criteria: Ambry Variant Classification Scheme 2023. Collection method: clinical testing. Allele origin: germline.
Comment: The p.S546R variant (also known as c.1638C>A), located in coding exon 8 of the RNF43 gene, results from a C to A substitution at nucleotide position 1638. The serine at codon 546 is replaced by arginine, an amino acid with dissimilar properties. This amino acid position is conserved. In addition, this alteration is predicted to be tolerated by in silico analysis. Based on the available evidence, the clinical significance of this variant remains unclear.

NM_017763.6(RNF43):c.1638C>A (p.Ser546Arg)

Gene: RNF43 (ring finger protein 43; minus strand). Cytogenetic location: 17q22.
Variant type: single nucleotide variant.
Coding change: c.1638C>A on transcript NM_017763.6 (MANE Select); coding-DNA position 1638, C replaced by A.
Protein change: p.Ser546Arg; replaces serine 546 with arginine.
Molecular consequence: missense variant.
Genome position (GRCh38, 1-based): chr17:58,358,138, G>T on the plus strand (C>A on the coding strand, the complement: RNF43 is on the minus strand). VCF-style: chr17-58358138-G-T. GRCh37 (hg19) VCF-style: chr17-56435499-G-T.
Other names: c.1638C>A, p.Ser546Arg (NM_001305544.3); c.1257C>A, p.Ser419Arg (NM_001305545.2); short protein forms S546R, S419R.
Identifiers: ClinVar variation 3434555 (VCV003434555.2).